The following is an entry in ClinVar:

NM_003322.6(TULP1):c.1612A>C (p.Lys538Gln)

Gene: TULP1 (TUB like protein 1; minus strand). Cytogenetic location: 6p21.31.
Variant type: single nucleotide variant.
Coding change: c.1612A>C on transcript NM_003322.6 (MANE Select); coding-DNA position 1612, A replaced by C.
Protein change: p.Lys538Gln; replaces lysine 538 with glutamine.
Molecular consequence: missense variant.
Genome position (GRCh38, 1-based): chr6:35,498,344, T>G on the plus strand (A>C on the coding strand, the complement: TULP1 is on the minus strand). VCF-style: chr6-35498344-T-G. GRCh37 (hg19) VCF-style: chr6-35466121-T-G.
Other names: c.1453A>C, p.Lys485Gln (NM_001289395.2); short protein forms K485Q, K538Q.
Identifiers: ClinVar variation 1339036 (VCV001339036.2), dbSNP rs1768748235, ClinGen allele CA363778159.
Genomic context (GRCh38, chr6:35,498,344, plus strand): 5'-CCCCACGCTGACGGGCTCTGGGGGCGCTGAGGGGCTGCTGGGGTCACTCGCAGGCCAGCT[T>G]CCCGTCGAAACTGGAGAGGGCGATGGCGAAGGCCTGCAGGGCGCACAGCGGGTACCGGTA-3'
Protein context (NP_003313.3, residues 528-542): FAIALSSFDG[Lys538Gln]LACE

ClinVar aggregate classification (germline): Uncertain significance (1 of 4 stars; one submission).

Conditions:
Retinitis pigmentosa 14 (RP14). Also called: RETINITIS PIGMENTOSA, JUVENILE, TULP1-RELATED. Identifiers: Orphanet 791, MedGen C1838603, MONDO:0010827, OMIM 600132.

Submission:

Neuberg Centre For Genomic Medicine, NCGM
Classification: Uncertain significance for Retinitis pigmentosa 14. Review status: criteria provided, single submitter. Criteria: ACMG Guidelines, 2015. Collection method: clinical testing. Allele origin: germline. Affected: yes.
Comment: The missense variant p.K538Q in TULP1 (NM_003322.6) has not been reported previously as a pathogenic variant nor as a benign variant, to our knowledge. The p.K538Q variant is novel (not in any individuals) in gnomAD Exomes and is novel (not in any individuals) in 1000 Genomes. There is a small physicochemical difference between lysine and glutamine, which is not likely to impact secondary protein structure as these residues share similar properties. The p.K538Q missense variant is predicted to be damaging by both SIFT and PolyPhen2. The lysine residue at codon 538 of TULP1 is conserved in all mammalian species. The nucleotide c.1612 in TULP1 is predicted conserved by GERP++ and PhyloP across 100 vertebrates. For these reasons, this variant has been classified as Uncertain Significance.